The following is an entry in ClinVar:

ClinVar aggregate classification (germline): Uncertain significance (1 of 4 stars; one submission).

gnomAD v4.1: 4 of 1,591,898 alleles (0.00025%); highest among the groups gnomAD compares: Non-Finnish European, 0.00034%; no homozygotes.

Submission:

Labcorp Genetics (formerly Invitae), Labcorp
Classification: Uncertain significance. Last evaluated: 2022-02-23. Review status: criteria provided, single submitter. Criteria: Invitae Variant Classification Sherloc (09022015). Collection method: clinical testing. Allele origin: germline.
Comment: This variant is not present in population databases (gnomAD no frequency). This variant has not been reported in the literature in individuals affected with MAPKAPK3-related conditions. ClinVar contains an entry for this variant (Variation ID: 1047534). Experimental studies and prediction algorithms are not available or were not evaluated, and the functional significance of this variant is currently unknown. In summary, the available evidence is currently insufficient to determine the role of this variant in disease. Therefore, it has been classified as a Variant of Uncertain Significance. This sequence change creates a premature translational stop signal (p.Trp328*) in the MAPKAPK3 gene. While this is not anticipated to result in nonsense mediated decay, it is expected to disrupt the last 55 amino acid(s) of the MAPKAPK3 protein.

NM_001243925.2(MAPKAPK3):c.984G>A (p.Trp328Ter)

Gene: MAPKAPK3 (MAPK activated protein kinase 3; plus strand). Cytogenetic location: 3p21.2.
Variant type: single nucleotide variant.
Coding change: c.984G>A on transcript NM_001243925.2 (MANE Select); coding-DNA position 984, G replaced by A.
Protein change: p.Trp328Ter; replaces tryptophan 328 with a stop codon.
Molecular consequence: nonsense.
Genome position (GRCh38, 1-based): chr3:50,647,191, G>A. VCF-style: chr3-50647191-G-A. GRCh37 (hg19) VCF-style: chr3-50684622-G-A.
Other names: c.984G>A, p.Trp328Ter (NM_001243926.2, NM_004635.5); short protein forms W328*.
Identifiers: ClinVar variation 1047534 (VCV001047534.5), dbSNP rs2033321555, ClinGen allele CA352937688.
Genomic context (GRCh38, chr3:50,647,191, plus strand): 5'-GGTAGTGCCACAGACCCCACTCCACACGGCCCGAGTGCTGCAGGAGGACAAAGACCACTG[G>A]GACGAAGTCAAGGTGGGTGGGCTCTGCCTCAGTCTCAATACAGGTGCCAGGATTTGGGCA-3'